The following is an entry in ClinVar:

ClinVar aggregate classification (germline): Uncertain significance (1 of 4 stars; one submission).

Conditions:
Progressive sclerosing poliodystrophy (MTDPS4A). Also called: Mitochondrial DNA Depletion Syndrome 4A; Alpers-Huttenlocher Syndrome (AHS); ALPERS PROGRESSIVE INFANTILE POLIODYSTROPHY; NEURONAL DEGENERATION OF CHILDHOOD WITH LIVER DISEASE, PROGRESSIVE; Mitochondrial DNA depletion syndrome 4A (Alpers type); Alpers Syndrome. Identifiers: Orphanet 726, MedGen C0205710, MONDO:0008758, OMIM 203700.

Submission:

Labcorp Genetics (formerly Invitae), Labcorp
Classification: Uncertain significance for Progressive sclerosing poliodystrophy. Last evaluated: 2022-03-14. Review status: criteria provided, single submitter. Criteria: Invitae Variant Classification Sherloc (09022015). Collection method: clinical testing. Allele origin: germline.
Comment: In summary, the available evidence is currently insufficient to determine the role of this variant in disease. Therefore, it has been classified as a Variant of Uncertain Significance. Algorithms developed to predict the effect of missense changes on protein structure and function are either unavailable or do not agree on the potential impact of this missense change (SIFT: "Tolerated"; PolyPhen-2: "Probably Damaging"; Align-GVGD: "Class C0"). This variant has not been reported in the literature in individuals affected with POLG-related conditions. This variant is not present in population databases (gnomAD no frequency). This sequence change replaces glutamine, which is neutral and polar, with proline, which is neutral and non-polar, at codon 86 of the POLG protein (p.Gln86Pro).

NM_002693.3(POLG):c.257A>C (p.Gln86Pro)

Genes: POLGARF (POLG alternative reading frame; minus strand), POLG (DNA polymerase gamma, catalytic subunit; minus strand). Cytogenetic location: 15q26.1.
Variant type: single nucleotide variant.
Coding change: c.257A>C on transcript NM_002693.3 (MANE Select); coding-DNA position 257, A replaced by C.
Protein change: p.Gln86Pro; replaces glutamine 86 with proline.
Molecular consequence: missense variant.
Genome position (GRCh38, 1-based): chr15:89,333,498, T>G on the plus strand (A>C on the coding strand, the complement: POLG is on the minus strand). VCF-style: chr15-89333498-T-G. GRCh37 (hg19) VCF-style: chr15-89876729-T-G.
Other names: c.257A>C, p.Gln86Pro (NM_001126131.2); short protein forms Q86P.
Identifiers: ClinVar variation 2107281 (VCV002107281.4), dbSNP rs2509276179, ClinGen allele CA393773244.